The following is an entry in ClinVar:

NM_001195305.3(BBIP1):c.218C>T (p.Ala73Val)

Gene: BBIP1 (BBSome interacting protein 1; minus strand). Cytogenetic location: 10q25.2.
Variant type: single nucleotide variant.
Coding change: c.218C>T on transcript NM_001195305.3 (MANE Select); coding-DNA position 218, C replaced by T.
Protein change: p.Ala73Val; replaces alanine 73 with valine.
Molecular consequence: missense variant. On other transcripts: 3 prime UTR variant (1).
Genome position (GRCh38, 1-based): chr10:110,900,421, G>A on the plus strand (C>T on the coding strand, the complement: BBIP1 is on the minus strand). VCF-style: chr10-110900421-G-A. GRCh37 (hg19) VCF-style: chr10-112660179-G-A.
Other names: c.*63C>T (NM_001195304.2); c.218C>T, p.Ala73Val (NM_001195306.2); c.143C>T, p.Ala48Val (NM_001195307.2); c.152C>T, p.Ala51Val (NM_001243783.3); short protein forms A48V, A73V, A51V.
Identifiers: ClinVar variation 2113277 (VCV002113277.4), dbSNP rs1333628668, ClinGen allele CA378388739.
Genomic context (GRCh38, chr10:110,900,421, plus strand): 5'-CAGTGGGTTATTTGCCGTTGATCCTTTTCTGCCATTTCTTGTTGGCGAATTGTATTCTGT[G>A]CTGCTTGATGCATTTTCTCTAGTTTTTCCAGAGTCAGAGATTTTAAGGGTAAAAGTTTGG-3'
Protein context (NP_001182234.1, residues 63-83): LEKLEKMHQA[Ala73Val]QNTIRQQEMA

ClinVar aggregate classification (germline): Uncertain significance (1 of 4 stars; one submission).

Allele frequency attached by ClinVar (database versions not stated): gnomAD exomes below 0.00001; gnomAD 0.00001; TOPMed 0.00001.
gnomAD v4.1: 3 of 1,535,706 alleles (0.0002%); highest among the groups gnomAD compares: Non-Finnish European, 0.00026%; no homozygotes.

Submission:

Labcorp Genetics (formerly Invitae), Labcorp
Classification: Uncertain significance. Last evaluated: 2022-03-17. Review status: criteria provided, single submitter. Criteria: Invitae Variant Classification Sherloc (09022015). Collection method: clinical testing. Allele origin: germline.
Comment: This sequence change replaces alanine, which is neutral and non-polar, with valine, which is neutral and non-polar, at codon 73 of the BBIP1 protein (p.Ala73Val). This variant is not present in population databases (gnomAD no frequency). This variant has not been reported in the literature in individuals affected with BBIP1-related conditions. Algorithms developed to predict the effect of missense changes on protein structure and function are either unavailable or do not agree on the potential impact of this missense change (SIFT: "Tolerated"; PolyPhen-2: "Possibly Damaging"; Align-GVGD: "Class C15"). In summary, the available evidence is currently insufficient to determine the role of this variant in disease. Therefore, it has been classified as a Variant of Uncertain Significance.